The following is an entry in ClinVar:

NM_006005.3(WFS1):c.127G>A (p.Ala43Thr)

Gene: WFS1 (wolframin ER transmembrane glycoprotein; plus strand). Cytogenetic location: 4p16.1.
Variant type: single nucleotide variant.
Coding change: c.127G>A on transcript NM_006005.3 (MANE Select); coding-DNA position 127, G replaced by A.
Protein change: p.Ala43Thr; replaces alanine 43 with threonine.
Molecular consequence: missense variant.
Genome position (GRCh38, 1-based): chr4:6,277,582, G>A. VCF-style: chr4-6277582-G-A. GRCh37 (hg19) VCF-style: chr4-6279309-G-A.
Other names: c.127G>A, p.Ala43Thr (NM_001145853.1); short protein forms A43T.
Identifiers: ClinVar variation 1367072 (VCV001367072.7), dbSNP rs1179583724, ClinGen allele CA356169692.

ClinVar aggregate classification (germline): Uncertain significance. Review status: criteria provided, multiple submitters, no conflicts (2 of 4 stars). 2 submissions from 2 submitters: Uncertain significance (2). Last evaluated 2026-09-10.

Conditions:
Inborn genetic diseases. Identifiers: MedGen C0950123, MeSH D030342.

Allele frequency attached by ClinVar (database versions not stated): gnomAD 0.00001; gnomAD exomes 0.00001; TOPMed 0.00001.

Submissions (2):

Ambry Genetics
Classification: Uncertain significance for Inborn genetic diseases. Last evaluated: 2026-09-10. Review status: criteria provided, single submitter. Criteria: Ambry Variant Classification Scheme 2023. Collection method: clinical testing. Allele origin: germline.

Labcorp Genetics (formerly Invitae), Labcorp
Classification: Uncertain significance. Last evaluated: 2025-11-22. Review status: criteria provided, single submitter. Criteria: Invitae Variant Classification Sherloc (09022015). Collection method: clinical testing. Allele origin: germline.
Comment: This sequence change replaces alanine, which is neutral and non-polar, with threonine, which is neutral and polar, at codon 43 of the WFS1 protein (p.Ala43Thr). This variant is present in population databases (no rsID available, gnomAD 0.1%). This variant has not been reported in the literature in individuals affected with WFS1-related conditions. ClinVar contains an entry for this variant (Variation ID: 1367072). Invitae Evidence Modeling of protein sequence and biophysical properties (such as structural, functional, and spatial information, amino acid conservation, physicochemical variation, residue mobility, and thermodynamic stability) indicates that this missense variant is not expected to disrupt WFS1 protein function with a negative predictive value of 80%. In summary, the available evidence is currently insufficient to determine the role of this variant in disease. Therefore, it has been classified as a Variant of Uncertain Significance.